The following is an entry in ClinVar:

NM_003072.5(SMARCA4):c.1796T>C (p.Ile599Thr)

Gene: SMARCA4 (SWI/SNF related BAF chromatin remodeling complex subunit ATPase 4; plus strand). Cytogenetic location: 19p13.2.
Variant type: single nucleotide variant.
Coding change: c.1796T>C on transcript NM_003072.5 (MANE Select); coding-DNA position 1796, T replaced by C.
Protein change: p.Ile599Thr; replaces isoleucine 599 with threonine.
Molecular consequence: missense variant. On other transcripts: non-coding transcript variant (1).
Genome position (GRCh38, 1-based): chr19:10,996,528, T>C. VCF-style: chr19-10996528-T-C. GRCh37 (hg19) VCF-style: chr19-11107204-T-C.
Other names: c.1796T>C, p.Ile599Thr (NM_001128844.3, NM_001128845.2, NM_001128846.2 and 5 more transcripts); short protein forms I599T.
Identifiers: ClinVar variation 484927 (VCV000484927.17), dbSNP rs1207080512, ClinGen allele CA404064846.
Genomic context (GRCh38, chr19:10,996,528, plus strand): 5'-CTGACCGTGTCTCTCTCTATTTCCAGAAGGCAGAAAATGCAGAAGGACAGACGCCTGCCA[T>C]TGGGCCGGATGGCGAGGTGAGGAAGCAGGGTTTCTTGTGGAAGTATCAAGCTAGCCCTAA-3'
Protein context (NP_003063.2, residues 589-609): AENAEGQTPA[Ile599Thr]GPDGEPLDET

ClinVar aggregate classification (germline): Conflicting classifications of pathogenicity. Review status: criteria provided, conflicting classifications (1 of 4 stars). 3 submissions from 3 submitters: Uncertain significance (2); Likely benign (1). Last evaluated 2025-12-24.

Conditions:
Hereditary cancer-predisposing syndrome. Also called: Neoplastic Syndromes, Hereditary; Tumor predisposition; Hereditary Cancer Syndrome; Hereditary neoplastic syndrome. Identifiers: Orphanet 140162, MedGen C0027672, MeSH D009386, MONDO:0015356.
Intellectual disability, autosomal dominant 16 (CSS4). Also called: COFFIN-SIRIS SYNDROME 4. Identifiers: Orphanet 1465, MedGen C3553249, MONDO:0013821, OMIM 614609.
Rhabdoid tumor predisposition syndrome 2 (RTPS2). Identifiers: Orphanet 231108, Orphanet 69077, MedGen C2750074, MONDO:0013224, OMIM 613325.

Allele frequency attached by ClinVar (database versions not stated): gnomAD exomes below 0.00001 and 0.00001; gnomAD 0.00001.
gnomAD v4.1: 6 of 1,614,076 alleles (0.00037%); highest among the groups gnomAD compares: East Asian, 0.0067%; no homozygotes.

Submissions (3):

Labcorp Genetics (formerly Invitae), Labcorp
Classification: Uncertain significance for Rhabdoid tumor predisposition syndrome 2. Last evaluated: 2025-12-24. Review status: criteria provided, single submitter. Criteria: Invitae Variant Classification Sherloc (09022015). Collection method: clinical testing. Allele origin: germline.
Comment: This sequence change replaces isoleucine, which is neutral and non-polar, with threonine, which is neutral and polar, at codon 599 of the SMARCA4 protein (p.Ile599Thr). This variant is present in population databases (no rsID available, gnomAD 0.0009%). This variant has not been reported in the literature in individuals affected with SMARCA4-related conditions. ClinVar contains an entry for this variant (Variation ID: 484927). Invitae Evidence Modeling of protein sequence and biophysical properties (such as structural, functional, and spatial information, amino acid conservation, physicochemical variation, residue mobility, and thermodynamic stability) indicates that this missense variant is not expected to disrupt SMARCA4 protein function with a negative predictive value of 95%. In summary, the available evidence is currently insufficient to determine the role of this variant in disease. Therefore, it has been classified as a Variant of Uncertain Significance.

Ambry Genetics
Classification: Likely benign for Hereditary cancer-predisposing syndrome. Last evaluated: 2021-12-29. Review status: criteria provided, single submitter. Criteria: Ambry Variant Classification Scheme 2023. Collection method: clinical testing. Allele origin: germline.

Genome-Nilou Lab
Classification: Uncertain significance for Intellectual disability, autosomal dominant 16. Last evaluated: 2021-07-15. Review status: criteria provided, single submitter. Criteria: ACMG Guidelines, 2015. Collection method: clinical testing. Allele origin: germline. Affected: no.